The following is an entry in ClinVar:

NM_033641.4(COL4A6):c.3518A>G (p.His1173Arg)

Gene: COL4A6 (collagen type IV alpha 6 chain; minus strand). Cytogenetic location: Xq22.3.
Variant type: single nucleotide variant.
Coding change: c.3518A>G on transcript NM_033641.4 (MANE Select); coding-DNA position 3518, A replaced by G.
Protein change: p.His1173Arg; replaces histidine 1173 with arginine.
Molecular consequence: missense variant. On other transcripts: intron variant (2).
Genome position (GRCh38, 1-based): chrX:108,169,992, T>C on the plus strand (A>G on the coding strand, the complement: COL4A6 is on the minus strand). VCF-style: chrX-108169992-T-C. GRCh37 (hg19) VCF-style: chrX-107413222-T-C.
Other names: c.3569A>G, p.His1190Arg (NM_001287758.2); c.3521A>G, p.His1174Arg (NM_001847.4); c.3494-372A>G (NM_001287760.2, NM_001287759.2); short protein forms H1173R, H1174R, H1190R.
Identifiers: ClinVar variation 2370110 (VCV002370110.4), dbSNP rs764224670, ClinGen allele CA10487401.

ClinVar aggregate classification (germline): Uncertain significance. Review status: criteria provided, multiple submitters, no conflicts (2 of 4 stars). 2 submissions from 2 submitters: Uncertain significance (2). Last evaluated 2025-03-16.

Allele frequency attached by ClinVar (database versions not stated): ExAC 0.00004; gnomAD 0.00005; TOPMed 0.00002; gnomAD exomes 0.00002.
gnomAD v4.1: 29 of 1,188,509 alleles (0.0024%); highest among the groups gnomAD compares: Non-Finnish European, 0.0031%; no homozygotes.

Submissions (2):

Labcorp Genetics (formerly Invitae), Labcorp
Classification: Uncertain significance. Last evaluated: 2025-03-16. Review status: criteria provided, single submitter. Criteria: Invitae Variant Classification Sherloc (09022015). Collection method: clinical testing. Allele origin: germline.
Comment: This sequence change replaces histidine, which is basic and polar, with arginine, which is basic and polar, at codon 1174 of the COL4A6 protein (p.His1174Arg). The frequency data for this variant in the population databases is considered unreliable, as metrics indicate poor data quality at this position in the gnomAD database. This variant has not been reported in the literature in individuals affected with COL4A6-related conditions. ClinVar contains an entry for this variant (Variation ID: 2370110). An algorithm developed to predict the effect of missense changes on protein structure and function outputs the following: PolyPhen-2: "Possibly Damaging". The arginine amino acid residue is found in multiple mammalian species, which suggests that this missense change does not adversely affect protein function. In summary, the available evidence is currently insufficient to determine the role of this variant in disease. Therefore, it has been classified as a Variant of Uncertain Significance.

Ambry Genetics
Classification: Uncertain significance. Last evaluated: 2021-08-13. Review status: criteria provided, single submitter. Criteria: Ambry Variant Classification Scheme 2023. Collection method: clinical testing. Allele origin: germline.